The following is an entry in ClinVar:

NM_005909.5(MAP1B):c.6277C>G (p.Pro2093Ala)

Gene: MAP1B (microtubule associated protein 1B; plus strand). Cytogenetic location: 5q13.2.
Variant type: single nucleotide variant.
Coding change: c.6277C>G on transcript NM_005909.5 (MANE Select); coding-DNA position 6277, C replaced by G.
Protein change: p.Pro2093Ala; replaces proline 2093 with alanine.
Molecular consequence: missense variant.
Genome position (GRCh38, 1-based): chr5:72,199,632, C>G. VCF-style: chr5-72199632-C-G. GRCh37 (hg19) VCF-style: chr5-71495459-C-G.
Other names: c.6277C>G (NM_005909.4); c.5899C>G, p.Pro1967Ala (NM_001324255.2); short protein forms P1967A, P2093A.
Identifiers: ClinVar variation 3542618 (VCV003542618.2).

ClinVar aggregate classification (germline): Likely benign. Review status: criteria provided, multiple submitters, no conflicts (2 of 4 stars). 2 submissions from 2 submitters: Likely benign (2). Last evaluated 2025-11-10.

Conditions:
Inborn genetic diseases. Identifiers: MedGen C0950123, MeSH D030342.
MAP1B-related disorder. Also called: MAP1B-related condition.

gnomAD v4.1: 19 of 1,614,038 alleles (0.0012%); highest among the groups gnomAD compares: East Asian, 0.036%; no homozygotes.

Submissions (2):

PreventionGenetics, part of Exact Sciences
Classification: Likely benign for MAP1B-related condition. Last evaluated: 2025-11-10. Review status: criteria provided, single submitter. Criteria: ACMG Guidelines, 2015. Collection method: clinical testing. Allele origin: germline.
Comment: This variant is classified as likely benign based on ACMG/AMP sequence variant interpretation guidelines (Richards et al. 2015 PMID: 25741868, with internal and published modifications).

Ambry Genetics
Classification: Likely benign for Inborn genetic diseases. Last evaluated: 2024-09-30. Review status: criteria provided, single submitter. Criteria: Ambry Variant Classification Scheme 2023. Collection method: clinical testing. Allele origin: germline.